The following is an entry in ClinVar:

ClinVar aggregate classification (germline): Likely benign (1 of 4 stars; one submission).

Allele frequency attached by ClinVar (database versions not stated): 1000 Genomes Project 30x 0.00172; 1000 Genomes Project 0.00200; gnomAD 0.00303; TOPMed 0.00316; ESP Exome Variant Server 0.00369; ExAC 0.00399.
gnomAD v4.1: 6,898 of 1,613,292 alleles (0.43%); highest among the groups gnomAD compares: Middle Eastern, 0.69%; 22 homozygotes.

Submission:

CeGaT Center for Human Genetics Tuebingen
Classification: Likely benign. Last evaluated: 2023-02-01. Review status: criteria provided, single submitter. Criteria: CeGaT Center For Human Genetics Tuebingen Variant Classification Criteria Version 2. Collection method: clinical testing. Allele origin: germline. Affected: yes. Observed: 1 variant allele.
Comment: COL22A1: BS2

NM_152888.3(COL22A1):c.3256C>G (p.Pro1086Ala)

Gene: COL22A1 (collagen type XXII alpha 1 chain; minus strand). Cytogenetic location: 8q24.23.
Variant type: single nucleotide variant.
Coding change: c.3256C>G on transcript NM_152888.3 (MANE Select); coding-DNA position 3256, C replaced by G.
Protein change: p.Pro1086Ala; replaces proline 1086 with alanine.
Molecular consequence: missense variant.
Genome position (GRCh38, 1-based): chr8:138,660,465, G>C on the plus strand (C>G on the coding strand, the complement: COL22A1 is on the minus strand). VCF-style: chr8-138660465-G-C. GRCh37 (hg19) VCF-style: chr8-139672708-G-C.
Other names: short protein forms P1086A.
Identifiers: ClinVar variation 2658851 (VCV002658851.24), dbSNP rs117256395, ClinGen allele CA4890877.
Genomic context (GRCh38, chr8:138,660,465, plus strand): 5'-AATATTCATCCAGAACCATAAGATGACATACCGGCTTGCCAGGAGGCCCTCTTTCTCCTG[G>C]ATTTCCTGGTGCACCCTAAGAGAAGAAGGAAATAAAACATTAACTGTGATAAGCACACGA-3'
Protein context (NP_690848.1, residues 1076-1096): PAGRDGAPGN[Pro1086Ala]GERGPPGKPG